The following is an entry in ClinVar:

ClinVar aggregate classification (germline): Likely benign. Review status: criteria provided, multiple submitters, no conflicts (2 of 4 stars). 4 submissions from 4 submitters: Likely benign (4). Last evaluated 2025-12-12.

Conditions:
Kabuki syndrome. Also called: NIIKAWA-KUROKI SYNDROME; Kabuki make-up syndrome. Identifiers: Orphanet 2322, MedGen C0796004, MONDO:0016512.
KMT2D-related disorder. Also called: KMT2D-Related Disorders.

Allele frequency attached by ClinVar (database versions not stated): TOPMed below 0.00001; gnomAD exomes 0.00001.
gnomAD v4.1: 15 of 1,613,316 alleles (0.00093%); highest among the groups gnomAD compares: Non-Finnish European, 0.0012%; no homozygotes.

Submissions (4):

PreventionGenetics, part of Exact Sciences
Classification: Likely benign for KMT2D-related condition. Last evaluated: 2025-12-12. Review status: criteria provided, single submitter. Criteria: ACMG Guidelines, 2015. Collection method: clinical testing. Allele origin: germline.
Comment: This variant is classified as likely benign based on ACMG/AMP sequence variant interpretation guidelines (Richards et al. 2015 PMID: 25741868, with internal and published modifications).

Labcorp Genetics (formerly Invitae), Labcorp
Classification: Likely benign for Kabuki syndrome. Last evaluated: 2025-05-18. Review status: criteria provided, single submitter. Criteria: Invitae Variant Classification Sherloc (09022015). Collection method: clinical testing. Allele origin: germline.

Women's Health and Genetics/Laboratory Corporation of America, LabCorp
Classification: Likely benign. Last evaluated: 2023-11-20. Review status: criteria provided, single submitter. Criteria: LabCorp Variant Classification Summary - May 2015. Collection method: clinical testing. Allele origin: germline.
Comment: Variant summary: MLL2 c.1638C>T alters a non-conserved nucleotide resulting in a synonymous change. Consensus agreement among computation tools predict no significant impact on normal splicing. However, these predictions have yet to be confirmed by functional studies. The variant allele was found at a frequency of 8e-06 in 248790 control chromosomes. The available data on variant occurrences in the general population are insufficient to allow any conclusion about variant significance. To our knowledge, no occurrence of c.1638C>T in individuals affected with Kabuki Syndrome 1 and no experimental evidence demonstrating its impact on protein function have been reported. No submitters have cited clinical-significance assessments for this variant to ClinVar after 2014. Based on the evidence outlined above, the variant was classified as likely benign.

Blueprint Genetics
Classification: Likely benign. Last evaluated: 2020-11-23. Review status: criteria provided, single submitter. Criteria: ACMG Guidelines, 2015. Collection method: clinical testing. Allele origin: germline.

NM_003482.4(KMT2D):c.1638C>T (p.Ser546=)

Gene: KMT2D (lysine methyltransferase 2D; minus strand). Cytogenetic location: 12q13.12.
Variant type: single nucleotide variant.
Coding change: c.1638C>T on transcript NM_003482.4 (MANE Select); coding-DNA position 1638, C replaced by T.
Protein change: p.Ser546=; no amino-acid change (serine 546 retained).
Molecular consequence: synonymous variant.
Genome position (GRCh38, 1-based): chr12:49,052,045, G>A on the plus strand (C>T on the coding strand, the complement: KMT2D is on the minus strand). VCF-style: chr12-49052045-G-A. GRCh37 (hg19) VCF-style: chr12-49445828-G-A.
Identifiers: ClinVar variation 2682180 (VCV002682180.4), dbSNP rs1938086379, ClinGen allele CA479714804.
Genomic context (GRCh38, chr12:49,052,045, plus strand): 5'-TGGCGGGGAAGTGGGCAATTCCTCAGGTGGCGGGGACAAAGGAGATTCTTCAAATGGTGG[G>A]GACAGGGGCGATGCTTCAGGTGGTGGGGATAGAGGCGTCTCAAGTGCAGGAGATGGGGGT-3'
Protein context (NP_003473.3, residues 536-556): LSPPPEASPL[Ser546=]PPFEESPLSP